The following is an entry in ClinVar:

ClinVar aggregate classification (germline): Uncertain significance (1 of 4 stars; one submission).

Conditions:
Inborn genetic diseases. Identifiers: MedGen C0950123, MeSH D030342.

Submission:

Ambry Genetics
Classification: Uncertain significance for Inborn genetic diseases. Last evaluated: 2024-12-24. Review status: criteria provided, single submitter. Criteria: Ambry Variant Classification Scheme 2023. Collection method: clinical testing. Allele origin: germline.
Comment: The p.T1177I variant (also known as c.3530C>T), located in coding exon 1 of the SAMD9L gene, results from a C to T substitution at nucleotide position 3530. The threonine at codon 1177 is replaced by isoleucine, an amino acid with similar properties. This amino acid position is conserved. In addition, this alteration is predicted to be tolerated by in silico analysis. Based on the available evidence, the clinical significance of this variant remains unclear.

NM_152703.5(SAMD9L):c.3530C>T (p.Thr1177Ile)

Gene: SAMD9L (sterile alpha motif domain containing 9 like; minus strand). Cytogenetic location: 7q21.2.
Variant type: single nucleotide variant.
Coding change: c.3530C>T on transcript NM_152703.5 (MANE Select); coding-DNA position 3530, C replaced by T.
Protein change: p.Thr1177Ile; replaces threonine 1177 with isoleucine.
Molecular consequence: missense variant.
Genome position (GRCh38, 1-based): chr7:93,132,442, G>A on the plus strand (C>T on the coding strand, the complement: SAMD9L is on the minus strand). VCF-style: chr7-93132442-G-A. GRCh37 (hg19) VCF-style: chr7-92761755-G-A.
Other names: c.3530C>T, p.Thr1177Ile (NM_001303496.3, NM_001303497.3, NM_001303498.3 and 5 more transcripts); short protein forms T1177I.
Identifiers: ClinVar variation 3792248 (VCV003792248.1).
Genomic context (GRCh38, chr7:93,132,442, plus strand): 5'-AAACAAGCTGTGTTATACATGTCATATCGTCTCTGGGACTTCTGTGGTGACCAGTTCTCG[G>A]TTTCATAGTTTTTACTATCAGTTTGCCTTTGGGATTCTTTGAAAGCTCTTGAGGCTTTTT-3'
Protein context (NP_689916.2, residues 1167-1187): QRQTDSKNYE[Thr1177Ile]ENWSPQKSQR